The following is an entry in ClinVar:

ClinVar aggregate classification (germline): Uncertain significance. Review status: criteria provided, multiple submitters, no conflicts (2 of 4 stars). 4 submissions from 4 submitters: Uncertain significance (4). Last evaluated 2023-04-11.

Conditions:
Hereditary spastic paraplegia 47. Also called: Spastic paraplegia 47, autosomal recessive; CEREBRAL PALSY, SPASTIC QUADRIPLEGIC, 5; adaptor protein 4 (AP-4) deficiency syndrome. Identifiers: Orphanet 280763, MedGen C3279738, MONDO:0013551, OMIM 614066.

Allele frequency attached by ClinVar (database versions not stated): TOPMed 0.00004; ESP Exome Variant Server 0.00008; gnomAD exomes 0.00004; ExAC 0.00004.

Submissions (4):

Genome-Nilou Lab
Classification: Uncertain significance for Hereditary spastic paraplegia 47. Last evaluated: 2023-04-11. Review status: criteria provided, single submitter. Criteria: ACMG Guidelines, 2015. Collection method: clinical testing. Allele origin: germline. Affected: no.

Labcorp Genetics (formerly Invitae), Labcorp
Classification: Uncertain significance for Hereditary spastic paraplegia 47. Last evaluated: 2022-09-27. Review status: criteria provided, single submitter. Criteria: Invitae Variant Classification Sherloc (09022015). Collection method: clinical testing. Allele origin: germline.
Comment: This sequence change replaces arginine, which is basic and polar, with cysteine, which is neutral and slightly polar, at codon 228 of the AP4B1 protein (p.Arg228Cys). This variant is present in population databases (rs371514044, gnomAD 0.007%). This variant has not been reported in the literature in individuals affected with AP4B1-related conditions. ClinVar contains an entry for this variant (Variation ID: 434227). Advanced modeling of protein sequence and biophysical properties (such as structural, functional, and spatial information, amino acid conservation, physicochemical variation, residue mobility, and thermodynamic stability) performed at Invitae indicates that this missense variant is expected to disrupt AP4B1 protein function. In summary, the available evidence is currently insufficient to determine the role of this variant in disease. Therefore, it has been classified as a Variant of Uncertain Significance.

Genetic Services Laboratory, University of Chicago
Classification: Uncertain significance. Last evaluated: 2017-01-30. Review status: criteria provided, single submitter. Criteria: ACMG Guidelines, 2015. Collection method: clinical testing. Allele origin: germline. Affected: no.

Neuberg Centre For Genomic Medicine, NCGM
Classification: Uncertain significance for Hereditary spastic paraplegia 47. Review status: criteria provided, single submitter. Criteria: ACMG Guidelines, 2015. Collection method: clinical testing. Allele origin: germline. Affected: yes.
Comment: The missense variant p.R228C in AP4B1 (NM_001253852.2) has not been reported previously as a pathogenic variant noras a benign variant, to our knowledge.The variant has been submitted to ClinVar with a classification of Variant of Uncertainsignificance.The p.R228C variant is observed in 8/1,12,668 (0.0071%) alleles from individuals of European (Non-Finnish) background ingnomAD Exomes and is novel (not in any individuals) in 1000 Genomes.There is a large physicochemical difference between arginine and cysteine, which is likely to impact secondary proteinstructure as these residues differ in polarity, charge, size and/or other properties.

NM_001253852.3(AP4B1):c.682C>T (p.Arg228Cys)

Genes: AP4B1-AS1 (AP4B1 antisense RNA 1; plus strand), AP4B1 (adaptor related protein complex 4 subunit beta 1; minus strand). Cytogenetic location: 1p13.2.
Variant type: single nucleotide variant.
Coding change: c.682C>T on transcript NM_001253852.3 (MANE Select); coding-DNA position 682, C replaced by T.
Protein change: p.Arg228Cys; replaces arginine 228 with cysteine.
Molecular consequence: missense variant. On other transcripts: non-coding transcript variant (2).
Genome position (GRCh38, 1-based): chr1:113,900,336, G>A on the plus strand (C>T on the coding strand, the complement: AP4B1 is on the minus strand). VCF-style: chr1-113900336-G-A. GRCh37 (hg19) VCF-style: chr1-114442958-G-A.
Other names: c.385C>T, p.Arg129Cys (NM_001253853.3); c.178C>T, p.Arg60Cys (NM_001308312.2); c.682C>T, p.Arg228Cys (NM_006594.5); short protein forms R228C, R60C, R129C.
Identifiers: ClinVar variation 434227 (VCV000434227.9), dbSNP rs371514044, ClinGen allele CA1016031.
Genomic context (GRCh38, chr1:113,900,336, plus strand): 5'-TACTGCTCTTGAGGAAACTATCCAACAGATTGAGAATGTCAAATAGTTCTTCCTCACTGC[G>A]GGGTTGGTAGCGTAGCAGAAAGTTCAATACTTCAGCCTGGCCCCATTGGTCCAGTTTTGA-3'
Protein context (NP_001240781.1, residues 218-238): VLNFLLRYQP[Arg228Cys]SEEELFDILN